The following is an entry in ClinVar:

ClinVar aggregate classification (germline): Conflicting classifications of pathogenicity. Review status: criteria provided, conflicting classifications (1 of 4 stars). 6 submissions from 6 submitters: Uncertain significance (4); Likely benign (1). 1 of the submissions does not count toward it. Last evaluated 2024-12-16.

Conditions:
Hereditary nonpolyposis colorectal neoplasms. Identifiers: MedGen C0009405, MeSH D003123.
Mismatch repair cancer syndrome 4. Identifiers: MedGen C5436817, MONDO:0030843, OMIM 619101.
Lynch syndrome 4 (LYNCH4). Also called: Colorectal cancer, hereditary nonpolyposis, type 4; Hereditary non-polyposis colorectal cancer, type 4. Identifiers: Orphanet 144, MedGen C1838333, MONDO:0013699, OMIM 614337. Disease mechanism: loss of function.
Hereditary cancer-predisposing syndrome. Also called: Tumor predisposition; Hereditary neoplastic syndrome; Neoplastic Syndromes, Hereditary; Hereditary Cancer Syndrome. Identifiers: Orphanet 140162, MedGen C0027672, MeSH D009386, MONDO:0015356.

Allele frequency attached by ClinVar (database versions not stated): gnomAD exomes below 0.00001.
gnomAD v4.1: 5 of 1,614,204 alleles (0.00031%); highest among the groups gnomAD compares: Non-Finnish European, 0.00042%; no homozygotes.

Submissions (6):

Color Diagnostics, LLC DBA Color Health
Classification: Likely benign for Hereditary cancer-predisposing syndrome. Last evaluated: 2024-12-16. Review status: criteria provided, single submitter. Criteria: ACMG Guidelines, 2015. Collection method: clinical testing. Allele origin: germline.

Labcorp Genetics (formerly Invitae), Labcorp
Classification: Uncertain significance for Hereditary nonpolyposis colorectal neoplasms. Last evaluated: 2024-11-27. Review status: criteria provided, single submitter. Criteria: Invitae Variant Classification Sherloc (09022015). Collection method: clinical testing. Allele origin: germline.
Comment: This sequence change replaces lysine, which is basic and polar, with glutamic acid, which is acidic and polar, at codon 412 of the PMS2 protein (p.Lys412Glu). This variant is not present in population databases (gnomAD no frequency). This variant has not been reported in the literature in individuals affected with PMS2-related conditions. ClinVar contains an entry for this variant (Variation ID: 135064). Invitae Evidence Modeling incorporating data from in vitro experimental studies (internal data) indicates that this missense variant is not expected to disrupt PMS2 function with a negative predictive value of 95%. In summary, the available evidence is currently insufficient to determine the role of this variant in disease. Therefore, it has been classified as a Variant of Uncertain Significance.

Ambry Genetics
Classification: Uncertain significance for Hereditary cancer-predisposing syndrome. Last evaluated: 2024-05-24. Review status: criteria provided, single submitter. Criteria: Ambry Variant Classification Scheme 2023. Collection method: clinical testing. Allele origin: germline.
Comment: The p.K412E variant (also known as c.1234A>G), located in coding exon 11 of the PMS2 gene, results from an A to G substitution at nucleotide position 1234. The lysine at codon 412 is replaced by glutamic acid, an amino acid with similar properties. This variant was identified in a cohort of 681 ancestrally diverse, healthy subjects (Bodian DL et al. PLoS One, 2014 Apr;9:e94554). This amino acid position is well conserved in available vertebrate species. In addition, this alteration is predicted to be tolerated by in silico analysis. Since supporting evidence is limited at this time, the clinical significance of this alteration remains unclear.

Fulgent Genetics
Classification: Uncertain significance for Lynch syndrome 4; Mismatch repair cancer syndrome 4. Last evaluated: 2022-04-22. Review status: criteria provided, single submitter. Criteria: ACMG Guidelines, 2015. Collection method: clinical testing. Allele origin: unknown.

GeneDx
Classification: Uncertain significance. Last evaluated: 2016-02-02. Review status: criteria provided, single submitter. Criteria: GeneDx Variant Classification (06012015). Collection method: clinical testing. Allele origin: germline. Affected: yes.
Comment: This variant is denoted PMS2 c.1234A>G at the cDNA level, p.Lys412Glu (K412E) at the protein level, and results in the change of a Lysine to a Glutamic Acid (AAA>GAA). This variant was identified in 1/331 healthy European individuals undergoing whole genome sequencing (Bodian 2014). Of note, the participants in this study were younger than 50 years old, thus the unaffected status of this individual may not be significant. In addition, PMS2 Lys412Glu was not observed in approximately 6,500 individuals of European and African American ancestry in the NHLBI Exome Sequencing Project, suggesting it is not a common benign variant in these populations. Since Lysine and Glutamic Acid differ in polarity, charge, size or other properties, this is considered a non-conservative amino acid substitution. PMS2 Lys412Glu occurs at a position where amino acids with properties similar to Lysine are tolerated across species and is not located in a known functional domain (Guarne 2001, Fukui 2011). In silico analyses are inconsistent regarding the effect this variant may have on protein structure and function. Based on currently available evidence, it is unclear whether PMS2 Lys412Glu is a pathogenic or benign variant. We consider it to be a variant of uncertain significance..

ITMI
No classification provided. Condition: AllHighlyPenetrant. Last evaluated: 2013-09-19. Review status: no classification provided. Collection method: reference population. Allele origin: germline. Not counted in ClinVar's aggregate classification.
Comment: Please see associated publication for description of ethnicities

Literature cited by the submitters: PubMed 24728327 (cited by Ambry Genetics and ITMI).

NM_000535.7(PMS2):c.1234A>G (p.Lys412Glu)

Gene: PMS2 (PMS1 homolog 2, mismatch repair system component; minus strand). Cytogenetic location: 7p22.1.
Variant type: single nucleotide variant.
Coding change: c.1234A>G on transcript NM_000535.7 (MANE Select); coding-DNA position 1234, A replaced by G.
Protein change: p.Lys412Glu; replaces lysine 412 with glutamic acid.
Molecular consequence: missense variant. On other transcripts: non-coding transcript variant (1).
Genome position (GRCh38, 1-based): chr7:5,987,531, T>C on the plus strand (A>G on the coding strand, the complement: PMS2 is on the minus strand). VCF-style: chr7-5987531-T-C. GRCh37 (hg19) VCF-style: chr7-6027162-T-C.
Other names: c.829A>G, p.Lys277Glu (NM_001322003.2, NM_001322004.2, NM_001322005.2 and 1 more transcripts); c.1078A>G, p.Lys360Glu (NM_001322006.2); c.916A>G, p.Lys306Glu (NM_001322007.2, NM_001322008.2); c.673A>G, p.Lys225Glu (NM_001322010.2); c.301A>G, p.Lys101Glu (NM_001322011.2, NM_001322012.2); c.661A>G, p.Lys221Glu (NM_001322013.2); c.1234A>G, p.Lys412Glu (NM_001322014.2); c.925A>G, p.Lys309Glu (NM_001322015.2); short protein forms K412E, K309E, K277E, K306E, K360E, K101E, K221E, K225E.
Identifiers: ClinVar variation 135064 (VCV000135064.17), dbSNP rs587778616, ClinGen allele CA009377.
Genomic context (GRCh38, chr7:5,987,531, plus strand): 5'-TCTCTGTTGTGTGACGAAGAGAAAAGGCCTCTCGCAGTCTGGAAATGGACACGTCTTTTT[T>C]TTCTTCTCCAGTCCTTAATGAAGGGGATTGATCCTGCTTTTCTACCATGGGCTTTTCCAA-3'
Protein context (NP_000526.2, residues 402-422): QSPSLRTGEE[Lys412Glu]KDVSISRLRE